The following is an entry in ClinVar:

NC_000015.9:g.(?_89858493)_(89860078_?)del

Genes: FANCI (FA complementation group I; plus strand), POLG (DNA polymerase gamma, catalytic subunit; minus strand). Cytogenetic location: 15q26.1.
Variant type: Deletion.
Identifiers: ClinVar variation 1355539 (VCV001355539.5).

ClinVar aggregate classification (germline): Pathogenic (1 of 4 stars; one submission).

Conditions:
Fanconi anemia (FA). Also called: Fanconi's anemia. Identifiers: Orphanet 84, MedGen C0015625, MeSH D005199, MONDO:0019391.

Submission:

Labcorp Genetics (formerly Invitae), Labcorp
Classification: Pathogenic for Fanconi anemia. Last evaluated: 2022-11-22. Review status: criteria provided, single submitter. Criteria: Invitae Variant Classification Sherloc (09022015). Collection method: clinical testing. Allele origin: germline.
Comment: For these reasons, this variant has been classified as Pathogenic. This variant disrupts a region of the FANCI protein in which other variant(s) (p.Arg1299*) have been determined to be pathogenic (PMID: 17452773, 17460694). This suggests that this is a clinically significant region of the protein, and that variants that disrupt it are likely to be disease-causing. This variant has not been reported in the literature in individuals affected with FANCI-related conditions. This variant is a gross deletion of the genomic region encompassing exon(s) 37-38 of the FANCI gene, which includes the termination codon. This deletion extends beyond the assayed region for this gene and therefore may encompass additional genes. While this deletion is not anticipated to lead to nonsense mediated decay, it is expected to alter mRNA translation or result in a truncated protein product.

Literature cited by the submitters: PubMed 17452773; PubMed 17460694.